The following is an entry in ClinVar:

NM_004329.3(BMPR1A):c.1022G>A (p.Gly341Asp)

Gene: BMPR1A (bone morphogenetic protein receptor type 1A; plus strand). Cytogenetic location: 10q23.2.
Variant type: single nucleotide variant.
Coding change: c.1022G>A on transcript NM_004329.3 (MANE Select); coding-DNA position 1022, G replaced by A.
Protein change: p.Gly341Asp; replaces glycine 341 with aspartic acid.
Molecular consequence: missense variant.
Genome position (GRCh38, 1-based): chr10:86,919,325, G>A. VCF-style: chr10-86919325-G-A. GRCh37 (hg19) VCF-style: chr10-88679082-G-A.
Other names: short protein forms G341D.
Identifiers: ClinVar variation 579923 (VCV000579923.1), dbSNP rs1564724250, ClinGen allele CA377460612.

ClinVar aggregate classification (germline): Uncertain significance (1 of 4 stars; one submission).

Conditions:
Generalized juvenile polyposis/juvenile polyposis coli. Also called: Juvenile polyposis coli. Identifiers: Orphanet 329971, MedGen C1868081, MONDO:0008276.

Submission:

Labcorp Genetics (formerly Invitae), Labcorp
Classification: Uncertain significance for Juvenile polyposis syndrome. Last evaluated: 2018-05-13. Review status: criteria provided, single submitter. Criteria: Invitae Variant Classification Sherloc (09022015). Collection method: clinical testing. Allele origin: germline.
Comment: This sequence change replaces glycine with aspartic acid at codon 341 of the BMPR1A protein (p.Gly341Asp). The glycine residue is highly conserved and there is a moderate physicochemical difference between glycine and aspartic acid. This variant is not present in population databases (ExAC no frequency). This variant has not been reported in the literature in individuals with BMPR1A-related disease. Algorithms developed to predict the effect of missense changes on protein structure and function (SIFT, PolyPhen-2, Align-GVGD) all suggest that this variant is likely to be disruptive, but these predictions have not been confirmed by published functional studies and their clinical significance is uncertain. In summary, the available evidence is currently insufficient to determine the role of this variant in disease. Therefore, it has been classified as a Variant of Uncertain Significance.